The following is an entry in ClinVar:

NM_014363.6(SACS):c.2983G>T (p.Val995Phe)

Gene: SACS (sacsin molecular chaperone; minus strand). Cytogenetic location: 13q12.12.
Variant type: single nucleotide variant.
Coding change: c.2983G>T on transcript NM_014363.6 (MANE Select); coding-DNA position 2983, G replaced by T.
Protein change: p.Val995Phe; replaces valine 995 with phenylalanine.
Molecular consequence: missense variant.
Genome position (GRCh38, 1-based): chr13:23,340,893, C>A on the plus strand (G>T on the coding strand, the complement: SACS is on the minus strand). VCF-style: chr13-23340893-C-A. GRCh37 (hg19) VCF-style: chr13-23915032-C-A.
Other names: c.2542G>T, p.Val848Phe (NM_001278055.2); short protein forms V995F, V848F.
Identifiers: ClinVar variation 218707 (VCV000218707.79), dbSNP rs142967124, ClinGen allele CA249209.

ClinVar aggregate classification (germline): Benign/Likely benign. Review status: criteria provided, multiple submitters, no conflicts (2 of 4 stars). 14 submissions from 14 submitters: Benign (3); Likely benign (10). 1 of the submissions does not count toward it. Last evaluated 2026-05-01.

Conditions:
Spastic paraplegia. Identifiers: MedGen C0037772, HP:0001258.
Hereditary spastic paraplegia. Also called: Familial spastic paraparesis. Identifiers: Orphanet 685, MedGen C0037773, MONDO:0019064. Disease mechanism: loss of function.
Charlevoix-Saguenay spastic ataxia (SACS). Also called: Spastic ataxia of Charlevoix-Saguenay; SPASTIC ATAXIA 6, AUTOSOMAL RECESSIVE; AUTOSOMAL RECESSIVE SPASTIC ATAXIA OF CHARLEVOIX-SAGUENAY. Identifiers: Orphanet 98, MedGen C1849140, MONDO:0010041, OMIM 270550.

Allele frequency attached by ClinVar (database versions not stated): gnomAD 0.00134; ESP Exome Variant Server 0.00169; 1000 Genomes Project 30x 0.00172; 1000 Genomes Project 0.00180; gnomAD exomes 0.00185; TOPMed 0.00194; ExAC 0.00202.
gnomAD v4.1: 3,570 of 1,611,978 alleles (0.22%); highest among the groups gnomAD compares: Non-Finnish European, 0.26%; 10 homozygotes.

Submissions (21):

CeGaT Center for Human Genetics Tuebingen
Classification: Likely benign. Last evaluated: 2026-05-01. Review status: criteria provided, single submitter. Criteria: CeGaT Center For Human Genetics Tuebingen Variant Classification Criteria Version 2. Collection method: clinical testing. Allele origin: germline. Affected: yes. Observed: 21 variant alleles.
Comment: SACS: BP4, BS2

Labcorp Genetics (formerly Invitae), Labcorp
Classification: Benign for Spastic paraplegia. Last evaluated: 2026-01-28. Review status: criteria provided, single submitter. Criteria: Invitae Variant Classification Sherloc (09022015). Collection method: clinical testing. Allele origin: germline.

Women's Health and Genetics/Laboratory Corporation of America, LabCorp
Classification: Likely benign. Last evaluated: 2025-01-15. Review status: criteria provided, single submitter. Criteria: LabCorp Variant Classification Summary - May 2015. Collection method: clinical testing. Allele origin: germline.
Comment: Variant summary: SACS c.2983G>T (p.Val995Phe) results in a non-conservative amino acid change in the encoded protein sequence. Three of five in-silico tools predict a benign effect of the variant on protein function. The variant allele was found at a frequency of 0.0022 in 1611978 control chromosomes in the gnomAD database, including 10 homozygotes, providing strong evidence for a benign role of the variant. c.2983G>T has been reported in the literature in at least one compound heterozygous individual affected with autosomal recessive Charlevoix-Saguenay spastic ataxia (ARSACS) with second allele classified on VUS-benign spectrum in ClinVar (e.g. Musante_2022), in an individual affected with spastic cerebellar ataxia with a second variant of unknown phase or classification (e.g. Coutelier_2018), in an individual affected with unexplained early-onset ataxia with second variant classified on VUS-benign spectrum in ClinVar, phase unknown (e.g. Synofzik_2013), or reported as a polymorphism in an individual affected with or with suspected ARSACS with no genotype/second variant reported (e.g. Vermeer_2009). These reports do not provide unequivocal conclusions about association of the variant with Charlevoix-Saguenay spastic ataxia. To our knowledge, no experimental evidence demonstrating an impact on protein function has been reported. The following publications have been ascertained in the context of this evaluation (PMID: 29482223, 35328054, 23497566, 19779133). ClinVar contains an entry for this variant (Variation ID: 218707). Based on the evidence outlined above, the variant was classified as likely benign.

Blueprint Genetics
Classification: Likely benign. Last evaluated: 2024-11-20. Review status: criteria provided, single submitter. Criteria: ACMG Guidelines, 2015. Collection method: clinical testing. Allele origin: germline.

Mayo Clinic Laboratories, Mayo Clinic
Classification: Benign. Last evaluated: 2024-02-23. Review status: criteria provided, single submitter. Criteria: ACMG Guidelines, 2015. Collection method: clinical testing. Allele origin: germline. Observed: 15 variant alleles.
Comment: BS1

Athena Diagnostics
Classification: Benign. Last evaluated: 2024-02-22. Review status: criteria provided, single submitter. Criteria: Athena Diagnostics Criteria. Collection method: clinical testing. Allele origin: unknown.

Genome-Nilou Lab
Classification: Likely benign for Charlevoix-Saguenay spastic ataxia. Last evaluated: 2021-05-18. Review status: criteria provided, single submitter. Criteria: ACMG Guidelines, 2015. Collection method: clinical testing. Allele origin: germline. Affected: no.

GeneDx
Classification: Likely benign. Last evaluated: 2020-10-01. Review status: criteria provided, single submitter. Criteria: GeneDx Variant Classification Process June 2021. Collection method: clinical testing. Allele origin: germline. Affected: yes.
Comment: This variant is associated with the following publications: (PMID: 29482223, 19779133, 23497566)

Genome Diagnostics Laboratory, The Hospital for Sick Children
Classification: Likely benign for Hereditary spastic paraplegia. Last evaluated: 2020-01-01. Review status: criteria provided, single submitter. Criteria: ACMG Guidelines, 2015. Collection method: clinical testing. Allele origin: germline. Affected: yes.

Illumina Laboratory Services, Illumina
Classification: Likely benign for Charlevoix-Saguenay spastic ataxia. Last evaluated: 2017-04-27. Review status: criteria provided, single submitter. Criteria: ICSL Variant Classification Criteria 13 December 2019. Collection method: clinical testing. Allele origin: germline.
Comment: This variant was observed as part of a predisposition screen in an ostensibly healthy population. A literature search was performed for the gene, cDNA change, and amino acid change (where applicable). No publications were found based on this search. Allele frequency data from public databases allowed determination this variant is unlikely to cause disease. Therefore, this variant is classified as likely benign.

Eurofins Ntd Llc (ga)
Classification: Likely benign. Last evaluated: 2016-09-21. Review status: criteria provided, single submitter. Criteria: EGL Classification Definitions 2015. Collection method: clinical testing. Allele origin: germline. Observed: 1 variant allele, 1 heterozygote.

Genomic Diagnostic Laboratory, Division of Genomic Diagnostics, Children's Hospital of Philadelphia
Classification: Likely benign. Last evaluated: 2015-07-17. Review status: criteria provided, single submitter. Criteria: DGD Variant Analysis Guidelines. Collection method: clinical testing. Allele origin: unknown.

Breakthrough Genomics
Classification: Likely benign. Review status: criteria provided, single submitter. Criteria: ACMG Guidelines, 2015. Collection method: not provided. Allele origin: germline. Inheritance: Autosomal recessive inheritance. Affected: yes.

Natera, Inc.
Classification: Likely benign for Charlevoix-Saguenay type spastic ataxia. Last evaluated: 2020-09-25. Review status: no assertion criteria provided. Collection method: clinical testing. Allele origin: germline. Not counted in ClinVar's aggregate classification.

Dr. Peter K. Rogan Lab, Western University
No classification provided (evidence only). Condition: Clear cell carcinoma of kidney. Review status: no classification provided. Collection method: in vitro. Allele origin: not applicable. Functional consequence: retained intron. Not counted in ClinVar's aggregate classification.

Dr. Peter K. Rogan Lab, Western University
No classification provided (evidence only). Condition: Lung cancer. Review status: no classification provided. Collection method: in vitro. Allele origin: not applicable. Functional consequence: retained intron. Not counted in ClinVar's aggregate classification.

Dr. Peter K. Rogan Lab, Western University
No classification provided (evidence only). Condition: Familial cancer of breast. Review status: no classification provided. Collection method: in vitro. Allele origin: not applicable. Functional consequence: retained intron. Not counted in ClinVar's aggregate classification.

Dr. Peter K. Rogan Lab, Western University
No classification provided (evidence only). Condition: Acute myeloid leukemia. Review status: no classification provided. Collection method: in vitro. Allele origin: not applicable. Functional consequence: retained intron. Not counted in ClinVar's aggregate classification.

Dr. Peter K. Rogan Lab, Western University
No classification provided (evidence only). Condition: Cervical cancer. Review status: no classification provided. Collection method: in vitro. Allele origin: not applicable. Functional consequence: retained intron. Not counted in ClinVar's aggregate classification.

Dr. Peter K. Rogan Lab, Western University
No classification provided (evidence only). Condition: Cholangiocarcinoma. Review status: no classification provided. Collection method: in vitro. Allele origin: not applicable. Functional consequence: retained intron. Not counted in ClinVar's aggregate classification.

Dr. Peter K. Rogan Lab, Western University
No classification provided (evidence only). Condition: Ovarian serous cystadenocarcinoma. Review status: no classification provided. Collection method: in vitro. Allele origin: not applicable. Functional consequence: retained intron. Not counted in ClinVar's aggregate classification.

Literature cited by the submitters: PubMed 19779133 (cited by Women's Health and Genetics/Laboratory Corporation of America, LabCorp and Athena Diagnostics); PubMed 29482223 (cited by Women's Health and Genetics/Laboratory Corporation of America, LabCorp and Athena Diagnostics); PubMed 23497566 (cited by Women's Health and Genetics/Laboratory Corporation of America, LabCorp and Athena Diagnostics); PubMed 35328054 (cited by Women's Health and Genetics/Laboratory Corporation of America, LabCorp and Athena Diagnostics); PubMed 23280630 (cited by Athena Diagnostics); PubMed 29970176 (cited by Athena Diagnostics); PubMed 25401298 (cited by Athena Diagnostics).